The following is an entry in ClinVar:

NM_020795.4(NLGN2):c.1783G>T (p.Ala595Ser)

Gene: NLGN2 (neuroligin 2; plus strand). Cytogenetic location: 17p13.1.
Variant type: single nucleotide variant.
Coding change: c.1783G>T on transcript NM_020795.4 (MANE Select); coding-DNA position 1783, G replaced by T.
Protein change: p.Ala595Ser; replaces alanine 595 with serine.
Molecular consequence: missense variant.
Genome position (GRCh38, 1-based): chr17:7,417,074, G>T. VCF-style: chr17-7417074-G-T. GRCh37 (hg19) VCF-style: chr17-7320393-G-T.
Other names: short protein forms A595S.
Identifiers: ClinVar variation 3653250 (VCV003653250.2).

ClinVar aggregate classification (germline): Uncertain significance (1 of 4 stars; one submission).

gnomAD v4.1: 3 of 1,613,884 alleles (0.00019%); highest among the groups gnomAD compares: Non-Finnish European, 0.00025%; no homozygotes.

Submission:

Labcorp Genetics (formerly Invitae), Labcorp
Classification: Uncertain significance. Last evaluated: 2024-05-14. Review status: criteria provided, single submitter. Criteria: Invitae Variant Classification Sherloc (09022015). Collection method: clinical testing. Allele origin: germline.
Comment: This sequence change replaces alanine, which is neutral and non-polar, with serine, which is neutral and polar, at codon 595 of the NLGN2 protein (p.Ala595Ser). This variant is not present in population databases (gnomAD no frequency). This variant has not been reported in the literature in individuals affected with NLGN2-related conditions. Advanced modeling of protein sequence and biophysical properties (such as structural, functional, and spatial information, amino acid conservation, physicochemical variation, residue mobility, and thermodynamic stability) performed at Invitae indicates that this missense variant is not expected to disrupt NLGN2 protein function with a negative predictive value of 80%. In summary, the available evidence is currently insufficient to determine the role of this variant in disease. Therefore, it has been classified as a Variant of Uncertain Significance.